The following is an entry in ClinVar:

NM_025132.4(WDR19):c.977C>G (p.Ser326Cys)

Gene: WDR19 (WD repeat domain 19; plus strand). Cytogenetic location: 4p14.
Variant type: single nucleotide variant.
Coding change: c.977C>G on transcript NM_025132.4 (MANE Select); coding-DNA position 977, C replaced by G.
Protein change: p.Ser326Cys; replaces serine 326 with cysteine.
Molecular consequence: missense variant.
Genome position (GRCh38, 1-based): chr4:39,215,856, C>G. VCF-style: chr4-39215856-C-G. GRCh37 (hg19) VCF-style: chr4-39217476-C-G.
Other names: c.497C>G, p.Ser166Cys (NM_001317924.2); short protein forms S326C, S166C.
Identifiers: ClinVar variation 1491038 (VCV001491038.9), dbSNP rs1729012449, ClinGen allele CA356629787.

ClinVar aggregate classification (germline): Uncertain significance. Review status: criteria provided, multiple submitters, no conflicts (2 of 4 stars). 3 submissions from 3 submitters: Uncertain significance (3). Last evaluated 2024-01-30.

Conditions:
Nephronophthisis 13 (NPHP13). Identifiers: Orphanet 655, MedGen C3280612, MONDO:0013718, OMIM 614377.
Spermatogenic failure 72 (SPGF72). Identifiers: MedGen C5676980, MONDO:0030809, OMIM 619867.
Asphyxiating thoracic dystrophy 5 (SRTD5). Also called: SHORT-RIB THORACIC DYSPLASIA 5 WITH OR WITHOUT POLYDACTYLY; SHORT-RIB THORACIC DYSPLASIA 5 WITHOUT POLYDACTYLY. Identifiers: Orphanet 474, MedGen C3280598, MONDO:0013717, OMIM 614376.
Cranioectodermal dysplasia 4 (CED4). Identifiers: Orphanet 1515, MedGen C3280616, MONDO:0013719, OMIM 614378.
Senior-Loken syndrome 8 (SLSN8). Identifiers: Orphanet 3156, MedGen C4225376, MONDO:0014579, OMIM 616307.

Allele frequency attached by ClinVar (database versions not stated): gnomAD 0.00001; TOPMed 0.00001.
gnomAD v4.1: 1 of 1,612,934 alleles (0.000062%); highest among the groups gnomAD compares: Non-Finnish European, 0.000085%; no homozygotes.

Submissions (3):

Blueprint Genetics
Classification: Uncertain significance. Last evaluated: 2024-01-30. Review status: criteria provided, single submitter. Criteria: ACMG Guidelines, 2015. Collection method: clinical testing. Allele origin: germline.

Labcorp Genetics (formerly Invitae), Labcorp
Classification: Uncertain significance for Senior-Loken syndrome 8; Asphyxiating thoracic dystrophy 5. Last evaluated: 2023-08-04. Review status: criteria provided, single submitter. Criteria: Invitae Variant Classification Sherloc (09022015). Collection method: clinical testing. Allele origin: germline.
Comment: This sequence change replaces serine, which is neutral and polar, with cysteine, which is neutral and slightly polar, at codon 326 of the WDR19 protein (p.Ser326Cys). This variant is not present in population databases (gnomAD no frequency). This variant has not been reported in the literature in individuals affected with WDR19-related conditions. ClinVar contains an entry for this variant (Variation ID: 1491038). Advanced modeling of protein sequence and biophysical properties (such as structural, functional, and spatial information, amino acid conservation, physicochemical variation, residue mobility, and thermodynamic stability) performed at Invitae indicates that this missense variant is not expected to disrupt WDR19 protein function. In summary, the available evidence is currently insufficient to determine the role of this variant in disease. Therefore, it has been classified as a Variant of Uncertain Significance.

Fulgent Genetics
Classification: Uncertain significance for Asphyxiating thoracic dystrophy 5; Nephronophthisis 13; Cranioectodermal dysplasia 4; Senior-Loken syndrome 8; Spermatogenic failure 72. Last evaluated: 2022-04-06. Review status: criteria provided, single submitter. Criteria: ACMG Guidelines, 2015. Collection method: clinical testing. Allele origin: unknown.